The following is an entry in ClinVar:

NM_002907.4(RECQL):c.1294A>C (p.Met432Leu)

Gene: RECQL (RecQ like helicase; minus strand). Cytogenetic location: 12p12.1.
Variant type: single nucleotide variant.
Coding change: c.1294A>C on transcript NM_002907.4 (MANE Select); coding-DNA position 1294, A replaced by C.
Protein change: p.Met432Leu; replaces methionine 432 with leucine.
Molecular consequence: missense variant.
Genome position (GRCh38, 1-based): chr12:21,474,902, T>G on the plus strand (A>C on the coding strand, the complement: RECQL is on the minus strand). VCF-style: chr12-21474902-T-G. GRCh37 (hg19) VCF-style: chr12-21627836-T-G.
Other names: c.1294A>C, p.Met432Leu (NM_032941.3); short protein forms M432L.
Identifiers: ClinVar variation 2562124 (VCV002562124.3), dbSNP rs758606621, ClinGen allele CA6478801.

ClinVar aggregate classification (germline): Uncertain significance (1 of 4 stars; one submission).

Allele frequency attached by ClinVar (database versions not stated): ExAC 0.00001; gnomAD exomes 0.00001.
gnomAD v4.1: 9 of 1,613,240 alleles (0.00056%); highest among the groups gnomAD compares: Non-Finnish European, 0.00068%; no homozygotes.

Submission:

Ambry Genetics
Classification: Uncertain significance. Last evaluated: 2025-06-25. Review status: criteria provided, single submitter. Criteria: Ambry Variant Classification Scheme 2023. Collection method: clinical testing. Allele origin: germline.
Comment: The p.M432L variant (also known as c.1294A>C), located in coding exon 10 of the RECQL gene, results from an A to C substitution at nucleotide position 1294. The methionine at codon 432 is replaced by leucine, an amino acid with highly similar properties. This amino acid position is conserved. In addition, the in silico prediction for this alteration is inconclusive. Since supporting evidence is limited at this time, the clinical significance of this alteration remains unclear.